The following is an entry in ClinVar:

NM_005876.5(SPEG):c.6697dup (p.Gln2233fs)

Genes: ASIC4-AS1 (ASIC4 antisense RNA 1; minus strand), SPEG (striated muscle enriched protein kinase; plus strand). Cytogenetic location: 2q35.
Variant type: Duplication.
Coding change: c.6697dup on transcript NM_005876.5 (MANE Select); coding-DNA position 6697, one base duplicated (C; older notation c.6697dupC).
Protein change: p.Gln2233fs; shifts the reading frame from glutamine 2233.
Molecular consequence: frameshift variant.
Genome position (GRCh38, 1-based): chr2:219,484,160, C duplicated; the last of 7 consecutive C bases (chr2:219,484,154-219,484,160); duplicating any one gives the same sequence. VCF-style (leftmost placement, unchanged base first): chr2-219484153-A-AC. GRCh37 (hg19) VCF-style: chr2-220348875-A-AC.
Other names: short protein forms Q2233fs.
Identifiers: ClinVar variation 1456690 (VCV001456690.7), dbSNP rs752907815, ClinGen allele CA2127082.

ClinVar aggregate classification (germline): Pathogenic/Likely pathogenic. Review status: criteria provided, multiple submitters, no conflicts (2 of 4 stars). 2 submissions from 2 submitters: Pathogenic (1); Likely pathogenic (1). Last evaluated 2021-08-07.

Conditions:
SPEG-related disorder. Also called: SPEG-related condition.

Submissions (2):

Labcorp Genetics (formerly Invitae), Labcorp
Classification: Pathogenic. Last evaluated: 2021-08-07. Review status: criteria provided, single submitter. Criteria: Invitae Variant Classification Sherloc (09022015). Collection method: clinical testing. Allele origin: germline.
Comment: For these reasons, this variant has been classified as Pathogenic. This variant has not been reported in the literature in individuals affected with SPEG-related conditions. The frequency data for this variant in the population databases is considered unreliable, as metrics indicate poor data quality at this position in the ExAC database. This sequence change creates a premature translational stop signal (p.Gln2233Profs*90) in the SPEG gene. It is expected to result in an absent or disrupted protein product. Loss-of-function variants in SPEG are known to be pathogenic (PMID: 19118250, 25087613).

Blueprint Genetics
Classification: Likely pathogenic for SPEG-related disorders. Last evaluated: 2019-06-04. Review status: criteria provided, single submitter. Criteria: ACMG Guidelines, 2015. Collection method: clinical testing. Allele origin: germline. Affected: yes. Observed: 1 variant allele.

Literature cited by the submitters: PubMed 19118250 (cited by Labcorp Genetics (formerly Invitae), Labcorp); PubMed 25087613 (cited by Labcorp Genetics (formerly Invitae), Labcorp).